The following is an entry in ClinVar:

ClinVar aggregate classification (germline): Uncertain significance (1 of 4 stars; one submission).

Conditions:
Intellectual developmental disorder, X-linked 99, syndromic, female-restricted. Also called: Intellectual disability, X-linked 99, syndromic, female-restricted. Identifiers: MedGen C4225416, MONDO:0010502, OMIM 300968.

Submission:

New York Genome Center
Classification: Uncertain significance for Intellectual developmental disorder, X-linked 99, syndromic, female-restricted. Last evaluated: 2023-04-10. Review status: criteria provided, single submitter. Criteria: NYGC Assertion Criteria 2020. Collection method: clinical testing. Allele origin: germline. Observed: 1 heterozygote.
Comment: The c.1081G>A p.(Val361Met) missense variant identified in the USP9X gene has not been reported in affected individuals in the literature or in the ClinVar database. The c.1081G>A variant is absent in population databases (gnomAD v2.1.1 and v3.1.2, TOPMed Freeze 8), suggesting it is not a common benign variant in the populations represented in those databases. The c.1081G>A variant is located in exon 9 of this 45-exon gene and is predicted to replace a highly conserved valine residue with methionine at position 361 of the encoded protein. In silico predictions are not in favor of the variant’s damaging effect [REVEL = 0.372]; however, functional studies to support or refute these predictions have not been reported. Due to the lack of compelling evidence for its pathogenicity, the c.1081G>A p.(Val361Met) missense variant identified in the USP9X gene is reported as a Variant of UncertainSignificance.

NM_001039591.3(USP9X):c.1081G>A (p.Val361Met)

Gene: USP9X (ubiquitin specific peptidase 9 X-linked; plus strand). Cytogenetic location: Xp11.4.
Variant type: single nucleotide variant.
Coding change: c.1081G>A on transcript NM_001039591.3 (MANE Select); coding-DNA position 1081, G replaced by A.
Protein change: p.Val361Met; replaces valine 361 with methionine.
Molecular consequence: missense variant.
Genome position (GRCh38, 1-based): chrX:41,141,351, G>A. VCF-style: chrX-41141351-G-A. GRCh37 (hg19) VCF-style: chrX-41000604-G-A.
Other names: c.1081G>A, p.Val361Met (NM_001039590.3, NM_001410748.1, NM_001410749.1); short protein forms V361M.
Identifiers: ClinVar variation 2584567 (VCV002584567.1), dbSNP rs2519133262, ClinGen allele CA412768204.